The following is an entry in ClinVar:

ClinVar aggregate classification (germline): Uncertain significance (1 of 4 stars; one submission).

Conditions:
Hereditary nonpolyposis colorectal neoplasms. Identifiers: MedGen C0009405, MeSH D003123.

Submission:

Labcorp Genetics (formerly Invitae), Labcorp
Classification: Uncertain significance for Hereditary nonpolyposis colorectal neoplasms. Last evaluated: 2025-09-22. Review status: criteria provided, single submitter. Criteria: Invitae Variant Classification Sherloc (09022015). Collection method: clinical testing. Allele origin: germline.
Comment: This sequence change replaces cysteine, which is neutral and slightly polar, with phenylalanine, which is neutral and non-polar, at codon 88 of the MSH6 protein (p.Cys88Phe). This variant is not present in population databases (gnomAD no frequency). This missense change has been observed in individual(s) with clinical features of MSH6-related conditions (PMID: 32522261). An algorithm developed to predict the effect of missense changes on protein structure and function (PolyPhen-2) suggests that this variant is likely to be tolerated. In summary, the available evidence is currently insufficient to determine the role of this variant in disease. Therefore, it has been classified as a Variant of Uncertain Significance.

Literature cited by the submitters: PubMed 32522261.

NM_000179.3(MSH6):c.263G>T (p.Cys88Phe)

Gene: MSH6 (mutS homolog 6; plus strand). Cytogenetic location: 2p16.3.
Variant type: single nucleotide variant.
Coding change: c.263G>T on transcript NM_000179.3 (MANE Select); coding-DNA position 263, G replaced by T.
Protein change: p.Cys88Phe; replaces cysteine 88 with phenylalanine.
Molecular consequence: missense variant. On other transcripts: 5 prime UTR variant (21), non-coding transcript variant (5), intron variant (5).
Genome position (GRCh38, 1-based): chr2:47,790,929, G>T. VCF-style: chr2-47790929-G-T. GRCh37 (hg19) VCF-style: chr2-48018068-G-T.
Other names: c.-474G>T (NM_001281493.2, NM_001406811.1, NM_001406823.1 and 1 more transcripts); c.-640G>T (NM_001281494.2); c.359G>T, p.Cys120Phe (NM_001406795.1, NM_001406802.1); c.263G>T, p.Cys88Phe (NM_001406796.1, NM_001406798.1, NM_001406800.1 and 6 more transcripts); c.-35G>T (NM_001406797.1, NM_001406801.1, NM_001406805.1 and 10 more transcripts); c.185G>T, p.Cys62Phe (NM_001406804.1); c.-666G>T (NM_001406807.1); c.-321G>T (NM_001406812.1); and 6 more; short protein forms C120F, C32F, C62F, C88F.
Identifiers: ClinVar variation 4710696 (VCV004710696.1).